The following is an entry in ClinVar:

ClinVar aggregate classification (germline): Pathogenic. Review status: criteria provided, multiple submitters, no conflicts (2 of 4 stars). 2 submissions from 2 submitters: Pathogenic (2). Last evaluated 2025-05-20.

Conditions:
Cerebral cavernous malformation (CCM). Also called: CAVERNOUS ANGIOMA, FAMILIAL; CAVERNOUS ANGIOMATOUS MALFORMATIONS; CEREBRAL CAPILLARY MALFORMATIONS; Cavernous Hemangioma of Brain; Cerebral cavernous hemangioma (type); Cerebral cavernous malformations. Identifiers: Orphanet 221061, MedGen C2919945, MONDO:0000820, OMIM 116860, HP:0033522.

Submissions (2):

Labcorp Genetics (formerly Invitae), Labcorp
Classification: Pathogenic for Cerebral cavernous malformation. Last evaluated: 2025-05-20. Review status: criteria provided, single submitter. Criteria: Invitae Variant Classification Sherloc (09022015). Collection method: clinical testing. Allele origin: germline.
Comment: This sequence change creates a premature translational stop signal (p.Ser592Ilefs*69) in the KRIT1 gene. It is expected to result in an absent or disrupted protein product. Loss-of-function variants in KRIT1 are known to be pathogenic (PMID: 10508515, 11222804, 12404106, 24689081). This variant is not present in population databases (gnomAD no frequency). This variant has not been reported in the literature in individuals affected with KRIT1-related conditions. ClinVar contains an entry for this variant (Variation ID: 618697). For these reasons, this variant has been classified as Pathogenic.

ARUP Laboratories, Molecular Genetics and Genomics, ARUP Laboratories
Classification: Pathogenic. Last evaluated: 2018-01-30. Review status: criteria provided, single submitter. Criteria: ARUP Molecular Germline Variant Investigation Process. Collection method: clinical testing. Allele origin: germline.
Comment: The c.1775delG variant creates a frameshift in the KRIT1 protein at codon 592 in exon 17 (of 20 exons) which results in a premature termination codon and is predicted to result in a truncated or absent protein product. This variant has not been reported in the medical literature nor in gene specific variation databases, however, nearby frameshift variants in KRIT have been reported in individuals with cerebral cavernous malformations and segregate with disease (Yang 2017, Laurens 2003). This variant is absent from general population databases such as 1000 Genomes, NHLBI GO Exome Sequencing Project (ESP), and the Genome Aggregation Database (gnomAD). Altogether the c.1775delG is considered to be pathogenic.

Literature cited by the submitters: PubMed 10508515 (cited by Labcorp Genetics (formerly Invitae), Labcorp); PubMed 11222804 (cited by Labcorp Genetics (formerly Invitae), Labcorp); PubMed 12404106 (cited by Labcorp Genetics (formerly Invitae), Labcorp); PubMed 24689081 (cited by Labcorp Genetics (formerly Invitae), Labcorp).

NM_194454.3(KRIT1):c.1775del (p.Ser592fs)

Gene: KRIT1 (KRIT1 ankyrin repeat containing; minus strand). Cytogenetic location: 7q21.2.
Variant type: Deletion.
Coding change: c.1775del on transcript NM_194454.3 (MANE Select); coding-DNA position 1775, one base deleted (G; older notation c.1775delG).
Protein change: p.Ser592fs; shifts the reading frame from serine 592.
Molecular consequence: frameshift variant.
Genome position (GRCh38, 1-based): chr7:92,213,935, C deleted on the plus strand (G on the coding strand, the reverse complement: KRIT1 is on the minus strand). VCF-style (leftmost placement, unchanged base first): chr7-92213934-AC-A. GRCh37 (hg19) VCF-style: chr7-91843248-AC-A.
Other names: c.1631del, p.Ser544fs (NM_001013406.2, NM_001350669.1, NM_001350670.1); c.1061del, p.Ser354fs (NM_001350671.1); c.1775del, p.Ser592fs (NM_001350672.1, NM_001350673.1, NM_001350674.1 and 26 more transcripts); c.1775delG (NM_194456.1); short protein forms S354fs, S592fs, S544fs.
Identifiers: ClinVar variation 618697 (VCV000618697.9), dbSNP rs1563242833, ClinGen allele CA913189881.